The following is an entry in ClinVar:

NM_000053.4(ATP7B):c.3222A>C (p.Ala1074=)

Gene: ATP7B (ATPase copper transporting beta; minus strand). Cytogenetic location: 13q14.3.
Variant type: single nucleotide variant.
Coding change: c.3222A>C on transcript NM_000053.4 (MANE Select); coding-DNA position 3222, A replaced by C.
Protein change: p.Ala1074=; no amino-acid change (alanine 1074 retained).
Molecular consequence: synonymous variant. On other transcripts: intron variant (1).
Genome position (GRCh38, 1-based): chr13:51,944,130, T>G on the plus strand (A>C on the coding strand, the complement: ATP7B is on the minus strand). VCF-style: chr13-51944130-T-G. GRCh37 (hg19) VCF-style: chr13-52518266-T-G.
Other names: c.2889A>C, p.Ala963= (NM_001243182.2); c.2988A>C, p.Ala996= (NM_001330578.2, NM_001406527.1, NM_001406528.1 and 1 more transcripts); c.2970A>C, p.Ala990= (NM_001330579.2, NM_001406531.1, NM_001406532.1); c.3222A>C, p.Ala1074= (NM_001406511.1, NM_001406512.1, NM_001406526.1); c.3216A>C, p.Ala1072= (NM_001406513.1); c.3189A>C, p.Ala1063= (NM_001406514.1); c.3168A>C, p.Ala1056= (NM_001406515.1, NM_001406516.1); c.3126A>C, p.Ala1042= (NM_001406517.1, NM_001406518.1); and 19 more.
Identifiers: ClinVar variation 2894670 (VCV002894670.4), dbSNP rs1320358600, ClinGen allele CA483894632.

ClinVar aggregate classification (germline): Likely benign. Review status: criteria provided, multiple submitters, no conflicts (2 of 4 stars). 2 submissions from 2 submitters: Likely benign (2). Last evaluated 2024-07-29.

Conditions:
Wilson disease (WND). Also called: Wilson's disease. Identifiers: Orphanet 905, MedGen C0019202, MONDO:0010200, OMIM 277900. Disease mechanism: loss of function.

Allele frequency attached by ClinVar (database versions not stated): gnomAD 0.00001.
gnomAD v4.1: 1 of 1,614,008 alleles (0.000062%); highest among the groups gnomAD compares: African/African-American, 0.0013%; no homozygotes.

Submissions (2):

All of Us Research Program, National Institutes of Health
Classification: Likely benign for Wilson disease. Last evaluated: 2024-07-29. Review status: criteria provided, single submitter. Criteria: ACMG Guidelines, 2015. Collection method: clinical testing. Allele origin: germline. Inheritance: Autosomal recessive inheritance. Observed: 1 variant allele, 1 heterozygote.
Comment: This study involves interpretation of variants in research participants for the purpose of population health screening. Participant phenotype was not available at the time of variant classification. Additional details can be found in publication PMID: 35346344, PMCID: PMC8962531

Labcorp Genetics (formerly Invitae), Labcorp
Classification: Likely benign for Wilson disease. Last evaluated: 2023-05-15. Review status: criteria provided, single submitter. Criteria: Invitae Variant Classification Sherloc (09022015). Collection method: clinical testing. Allele origin: germline.